The following is an entry in ClinVar:

ClinVar aggregate classification (germline): Uncertain significance. Review status: criteria provided, multiple submitters, no conflicts (2 of 4 stars). 2 submissions from 2 submitters: Uncertain significance (2). Last evaluated 2023-08-17.

Conditions:
Epilepsy, familial adult myoclonic, 5 (EPEO5). Also called: CORTICAL MYOCLONIC TREMOR WITH EPILEPSY, FAMILIAL, 5. Identifiers: Orphanet 86814, MedGen C3809374, MONDO:0014167, OMIM 615400.

Allele frequency attached by ClinVar (database versions not stated): TOPMed below 0.00001; ExAC 0.00001; gnomAD 0.00001; gnomAD exomes 0.00001.
gnomAD v4.1: 7 of 1,613,712 alleles (0.00043%); highest among the groups gnomAD compares: South Asian, 0.0022%; no homozygotes.

Submissions (2):

Labcorp Genetics (formerly Invitae), Labcorp
Classification: Uncertain significance for Epilepsy, familial adult myoclonic, 5. Last evaluated: 2023-08-17. Review status: criteria provided, single submitter. Criteria: Invitae Variant Classification Sherloc (09022015). Collection method: clinical testing. Allele origin: germline.
Comment: This variant has not been reported in the literature in individuals affected with CNTN2-related conditions. This sequence change replaces arginine, which is basic and polar, with glutamine, which is neutral and polar, at codon 657 of the CNTN2 protein (p.Arg657Gln). This variant is present in population databases (rs761837860, gnomAD 0.004%). ClinVar contains an entry for this variant (Variation ID: 847474). Advanced modeling of protein sequence and biophysical properties (such as structural, functional, and spatial information, amino acid conservation, physicochemical variation, residue mobility, and thermodynamic stability) performed at Invitae indicates that this missense variant is not expected to disrupt CNTN2 protein function. Algorithms developed to predict the effect of sequence changes on RNA splicing suggest that this variant may disrupt the consensus splice site. In summary, the available evidence is currently insufficient to determine the role of this variant in disease. Therefore, it has been classified as a Variant of Uncertain Significance.

Ambry Genetics
Classification: Uncertain significance. Last evaluated: 2021-06-22. Review status: criteria provided, single submitter. Criteria: Ambry Variant Classification Scheme 2023. Collection method: clinical testing. Allele origin: germline.

NM_005076.5(CNTN2):c.1970G>A (p.Arg657Gln)

Gene: CNTN2 (contactin 2; plus strand). Cytogenetic location: 1q32.1.
Variant type: single nucleotide variant.
Coding change: c.1970G>A on transcript NM_005076.5 (MANE Select); coding-DNA position 1970, G replaced by A.
Protein change: p.Arg657Gln; replaces arginine 657 with glutamine.
Molecular consequence: missense variant. On other transcripts: non-coding transcript variant (1).
Genome position (GRCh38, 1-based): chr1:205,066,594, G>A. VCF-style: chr1-205066594-G-A. GRCh37 (hg19) VCF-style: chr1-205035722-G-A.
Other names: c.1970G>A, p.Arg657Gln (NM_001346083.2); short protein forms R657Q.
Identifiers: ClinVar variation 847474 (VCV000847474.10), dbSNP rs761837860, ClinGen allele CA1351538.
Genomic context (GRCh38, chr1:205,066,594, plus strand): 5'-CCATCGCTAAGTACACCCTGCAAGCTCGCACTCCACCTGCAGGGAAGTGGAAGCAGGTTC[G>A]GACCAGTAAGTGTGAGCCCCACCTGGGTCAGTGCTGATAAGGCTCGACTGGGTGTAGGAG-3'
Protein context (NP_005067.1, residues 647-667): TPPAGKWKQV[Arg657Gln]TNPANIEGNA